The following is an entry in ClinVar:

ClinVar aggregate classification (germline): Likely benign (1 of 4 stars; one submission).

Conditions:
Tuberous sclerosis syndrome (TSC). Also called: Tuberous Sclerosis Complex; Tuberous sclerosis. Identifiers: Orphanet 805, MedGen C0041341, MONDO:0001734.

Submission:

All of Us Research Program, National Institutes of Health
Classification: Likely benign for Tuberous sclerosis syndrome. Last evaluated: 2023-05-16. Review status: criteria provided, single submitter. Criteria: ACMG Guidelines, 2015. Collection method: clinical testing. Allele origin: germline. Inheritance: Autosomal dominant inheritance. Observed: 1 variant allele, 1 heterozygote.
Comment: This study involves interpretation of variants in research participants for the purpose of population health screening. Participant phenotype was not available at the time of variant classification. Additional details can be found in publication PMID: 35346344, PMCID: PMC8962531

NM_000368.5(TSC1):c.3264G>C (p.Leu1088=)

Gene: TSC1 (TSC complex subunit 1; minus strand). Cytogenetic location: 9q34.13.
Variant type: single nucleotide variant.
Coding change: c.3264G>C on transcript NM_000368.5 (MANE Select); coding-DNA position 3264, G replaced by C.
Protein change: p.Leu1088=; no amino-acid change (leucine 1088 retained).
Molecular consequence: synonymous variant. On other transcripts: non-coding transcript variant (5).
Genome position (GRCh38, 1-based): chr9:132,896,466, C>G on the plus strand (G>C on the coding strand, the complement: TSC1 is on the minus strand). VCF-style: chr9-132896466-C-G. GRCh37 (hg19) VCF-style: chr9-135771853-C-G.
Other names: c.2901G>C, p.Leu967= (NM_001406615.1, NM_001406616.1, NM_001406617.1 and 4 more transcripts); c.2898G>C, p.Leu966= (NM_001406620.1, NM_001406621.1, NM_001406622.1 and 1 more transcripts); c.2859G>C, p.Leu953= (NM_001406624.1); c.2856G>C, p.Leu952= (NM_001406625.1); c.2313G>C, p.Leu771= (NM_001406626.1); c.2310G>C, p.Leu770= (NM_001406627.1, NM_001406628.1); c.2211G>C, p.Leu737= (NM_001406629.1, NM_001406630.1); c.3222G>C, p.Leu1074= (NM_001406605.1, NM_001406606.1, NM_001406607.1); and 8 more.
Identifiers: ClinVar variation 3071268 (VCV003071268.1), dbSNP rs2131598004, ClinGen allele CA467813289.
Genomic context (GRCh38, chr9:132,896,466, plus strand): 5'-GCCGTCCTCATCACACTGGCTCTCGCTCTTATTACGAAATAACTCTCGAGCCTTCATACC[C>G]AGGAAGCTTTTTGAACTGGGAAGTGAGCCCACAGTGGTGGGGATGCTGGCAGACGCTTCT-3'
Protein context (NP_000359.1, residues 1078-1098): VGSLPSSKSF[Leu1088=]GMKARELFRN